The following is an entry in ClinVar:

NM_000709.4(BCKDHA):c.303G>C (p.Lys101Asn)

Gene: BCKDHA (branched chain keto acid dehydrogenase E1 subunit alpha; plus strand). Cytogenetic location: 19q13.2.
Variant type: single nucleotide variant.
Coding change: c.303G>C on transcript NM_000709.4 (MANE Select); coding-DNA position 303, G replaced by C.
Protein change: p.Lys101Asn; replaces lysine 101 with asparagine.
Molecular consequence: missense variant.
Genome position (GRCh38, 1-based): chr19:41,410,937, G>C. VCF-style: chr19-41410937-G-C. GRCh37 (hg19) VCF-style: chr19-41916842-G-C.
Other names: c.303G>C, p.Lys101Asn (NM_001164783.2); short protein forms K101N.
Identifiers: ClinVar variation 2150802 (VCV002150802.4), dbSNP rs2513452349, ClinGen allele CA406005390.

ClinVar aggregate classification (germline): Uncertain significance (1 of 4 stars; one submission).

Conditions:
Maple syrup urine disease (MSUD). Identifiers: Orphanet 511, MedGen C0024776, MeSH D008375, MONDO:0009563. Disease mechanism: loss of function.

Allele frequency attached by ClinVar (database versions not stated): gnomAD exomes below 0.00001.
gnomAD v4.1: 1 of 1,614,140 alleles (0.000062%); highest among the groups gnomAD compares: Non-Finnish European, 0.000085%; no homozygotes.

Submission:

Labcorp Genetics (formerly Invitae), Labcorp
Classification: Uncertain significance for Maple syrup urine disease. Last evaluated: 2022-07-19. Review status: criteria provided, single submitter. Criteria: Invitae Variant Classification Sherloc (09022015). Collection method: clinical testing. Allele origin: germline.
Comment: In summary, the available evidence is currently insufficient to determine the role of this variant in disease. Therefore, it has been classified as a Variant of Uncertain Significance. Advanced modeling of protein sequence and biophysical properties (such as structural, functional, and spatial information, amino acid conservation, physicochemical variation, residue mobility, and thermodynamic stability) performed at Invitae indicates that this missense variant is not expected to disrupt BCKDHA protein function. This variant has not been reported in the literature in individuals affected with BCKDHA-related conditions. This variant is not present in population databases (gnomAD no frequency). This sequence change replaces lysine, which is basic and polar, with asparagine, which is neutral and polar, at codon 101 of the BCKDHA protein (p.Lys101Asn).